The following is an entry in ClinVar:

ClinVar aggregate classification (germline): Uncertain significance (1 of 4 stars; one submission).

gnomAD v4.1: 1 of 1,612,960 alleles (0.000062%); highest among the groups gnomAD compares: Non-Finnish European, 0.000085%; no homozygotes.

Submission:

Ambry Genetics
Classification: Uncertain significance. Last evaluated: 2025-12-20. Review status: criteria provided, single submitter. Criteria: Ambry Variant Classification Scheme 2023. Collection method: clinical testing. Allele origin: germline.
Comment: The p.V87A variant (also known as c.260T>C), located in coding exon 1 of the MC1R gene, results from a T to C substitution at nucleotide position 260. The valine at codon 87 is replaced by alanine, an amino acid with similar properties. This amino acid position is conserved. In addition, the in silico prediction for this alteration is inconclusive. Based on the available evidence, the clinical significance of this variant remains unclear.

NM_002386.4(MC1R):c.260T>C (p.Val87Ala)

Gene: MC1R (melanocortin 1 receptor; plus strand). Cytogenetic location: 16q24.3.
Variant type: single nucleotide variant.
Coding change: c.260T>C on transcript NM_002386.4 (MANE Select); coding-DNA position 260, T replaced by C.
Protein change: p.Val87Ala; replaces valine 87 with alanine.
Molecular consequence: missense variant.
Genome position (GRCh38, 1-based): chr16:89,919,518, T>C. VCF-style: chr16-89919518-T-C. GRCh37 (hg19) VCF-style: chr16-89985926-T-C.
Other names: short protein forms V87A.
Identifiers: ClinVar variation 4842616 (VCV004842616.1).
Genomic context (GRCh38, chr16:89,919,518, plus strand): 5'-GGAACCTGCACTCACCCATGTACTGCTTCATCTGCTGCCTGGCCTTGTCGGACCTGCTGG[T>C]GAGCGGGAGCAACGTGCTGGAGACGGCCGTCATCCTCCTGCTGGAGGCCGGTGCACTGGT-3'
Protein context (NP_002377.4, residues 77-97): ICCLALSDLL[Val87Ala]SGSNVLETAV